The following is an entry in ClinVar:

ClinVar aggregate classification (germline): Uncertain significance (1 of 4 stars; one submission).

Conditions:
Focal segmental glomerulosclerosis 5 (FSGS5). Identifiers: Orphanet 656, MedGen C2750475, MONDO:0013191, OMIM 613237.
Charcot-Marie-Tooth disease dominant intermediate E. Also called: CHARCOT-MARIE-TOOTH NEUROPATHY WITH FOCAL SEGMENTAL GLOMERULONEPHRITIS. Identifiers: Orphanet 93114, MedGen C4302667, MONDO:0013758, OMIM 614455.

gnomAD v4.1: 2 of 1,609,498 alleles (0.00012%); highest among the groups gnomAD compares: South Asian, 0.0011%; no homozygotes.

Submission:

Labcorp Genetics (formerly Invitae), Labcorp
Classification: Uncertain significance for Charcot-Marie-Tooth disease dominant intermediate E; Focal segmental glomerulosclerosis 5. Last evaluated: 2026-01-05. Review status: criteria provided, single submitter. Criteria: Invitae Variant Classification Sherloc (09022015). Collection method: clinical testing. Allele origin: germline.
Comment: This sequence change replaces leucine, which is neutral and non-polar, with proline, which is neutral and non-polar, at codon 334 of the INF2 protein (p.Leu334Pro). This variant is not present in population databases (gnomAD no frequency). This variant has not been reported in the literature in individuals affected with INF2-related conditions. Invitae Evidence Modeling of protein sequence and biophysical properties (such as structural, functional, and spatial information, amino acid conservation, physicochemical variation, residue mobility, and thermodynamic stability) indicates that this missense variant is not expected to disrupt INF2 protein function with a negative predictive value of 95%. In summary, the available evidence is currently insufficient to determine the role of this variant in disease. Therefore, it has been classified as a Variant of Uncertain Significance.

NM_022489.4(INF2):c.1001T>C (p.Leu334Pro)

Gene: INF2 (inverted formin 2; plus strand). Cytogenetic location: 14q32.33.
Variant type: single nucleotide variant.
Coding change: c.1001T>C on transcript NM_022489.4 (MANE Select); coding-DNA position 1001, T replaced by C.
Protein change: p.Leu334Pro; replaces leucine 334 with proline.
Molecular consequence: missense variant. On other transcripts: non-coding transcript variant (1).
Genome position (GRCh38, 1-based): chr14:104,707,268, T>C. VCF-style: chr14-104707268-T-C. GRCh37 (hg19) VCF-style: chr14-105173605-T-C.
Other names: c.1001T>C, p.Leu334Pro (NM_001031714.4, NM_001426862.1, NM_001426863.1 and 2 more transcripts); short protein forms L334P.
Identifiers: ClinVar variation 4787772 (VCV004787772.1).